The following is an entry in ClinVar:

ClinVar aggregate classification (germline): Uncertain significance (1 of 4 stars; one submission).

Allele frequency attached by ClinVar (database versions not stated): gnomAD 0.00002; gnomAD exomes 0.00002; TOPMed 0.00006; ExAC below 0.00001.

Submission:

Labcorp Genetics (formerly Invitae), Labcorp
Classification: Uncertain significance. Last evaluated: 2022-10-05. Review status: criteria provided, single submitter. Criteria: Invitae Variant Classification Sherloc (09022015). Collection method: clinical testing. Allele origin: germline.
Comment: This sequence change replaces aspartic acid, which is acidic and polar, with asparagine, which is neutral and polar, at codon 650 of the CNNM4 protein (p.Asp650Asn). This variant is present in population databases (rs749049820, gnomAD 0.008%). This variant has not been reported in the literature in individuals affected with CNNM4-related conditions. ClinVar contains an entry for this variant (Variation ID: 855227). Algorithms developed to predict the effect of missense changes on protein structure and function (SIFT, PolyPhen-2, Align-GVGD) all suggest that this variant is likely to be tolerated. Algorithms developed to predict the effect of sequence changes on RNA splicing suggest that this variant may disrupt the consensus splice site. In summary, the available evidence is currently insufficient to determine the role of this variant in disease. Therefore, it has been classified as a Variant of Uncertain Significance.

NM_020184.4(CNNM4):c.1948G>A (p.Asp650Asn)

Gene: CNNM4 (cyclin and CBS domain divalent metal cation transport mediator 4; plus strand). Cytogenetic location: 2q11.2.
Variant type: single nucleotide variant.
Coding change: c.1948G>A on transcript NM_020184.4 (MANE Select); coding-DNA position 1948, G replaced by A.
Protein change: p.Asp650Asn; replaces aspartic acid 650 with asparagine.
Molecular consequence: missense variant.
Genome position (GRCh38, 1-based): chr2:96,799,648, G>A. VCF-style: chr2-96799648-G-A. GRCh37 (hg19) VCF-style: chr2-97465385-G-A.
Other names: short protein forms D650N.
Identifiers: ClinVar variation 855227 (VCV000855227.5), dbSNP rs749049820, ClinGen allele CA1783516.